The following is an entry in ClinVar:

NM_001384474.1(LOXHD1):c.1135-1G>C

Gene: LOXHD1 (lipoxygenase homology PLAT domains 1; minus strand). Cytogenetic location: 18q21.1.
Variant type: single nucleotide variant.
Coding change: c.1135-1G>C on transcript NM_001384474.1 (MANE Select); the canonical splice acceptor site of the intron before coding-DNA position 1135, G replaced by C.
Molecular consequence: splice acceptor variant.
Genome position (GRCh38, 1-based): chr18:46,594,467, C>G on the plus strand (G>C on the coding strand, the complement: LOXHD1 is on the minus strand). VCF-style: chr18-46594467-C-G. GRCh37 (hg19) VCF-style: chr18-44174430-C-G.
Other names: c.1135-1G>C (NM_144612.7).
Identifiers: ClinVar variation 1068308 (VCV001068308.8), dbSNP rs2144247310, ClinGen allele CA402381223.

ClinVar aggregate classification (germline): Likely pathogenic (1 of 4 stars; one submission).

Submission:

Labcorp Genetics (formerly Invitae), Labcorp
Classification: Likely pathogenic. Last evaluated: 2020-01-23. Review status: criteria provided, single submitter. Criteria: Invitae Variant Classification Sherloc (09022015). Collection method: clinical testing. Allele origin: germline.
Comment: This variant has not been reported in the literature in individuals with LOXHD1-related conditions. In summary, the currently available evidence indicates that the variant is pathogenic, but additional data are needed to prove that conclusively. Therefore, this variant has been classified as Likely Pathogenic. Donor and acceptor splice site variants typically lead to a loss of protein function (PMID: 16199547), and loss-of-function variants in LOXHD1 are known to be pathogenic (PMID: 19732867, 21465660, 25792669). Algorithms developed to predict the effect of sequence changes on RNA splicing suggest that this variant may disrupt the consensus splice site, but this prediction has not been confirmed by published transcriptional studies. This variant is not present in population databases (ExAC no frequency). This sequence change affects an acceptor splice site in intron 8 of the LOXHD1 gene. It is expected to disrupt RNA splicing and likely results in an absent or disrupted protein product.

Literature cited by the submitters: PubMed 16199547; PubMed 19732867; PubMed 21465660; PubMed 25792669.